The following is an entry in ClinVar:

ClinVar aggregate classification (germline): Uncertain significance (1 of 4 stars; one submission).

Conditions:
Spastic paraplegia. Identifiers: MedGen C0037772, HP:0001258.

Allele frequency attached by ClinVar (database versions not stated): gnomAD exomes below 0.00001.
gnomAD v4.1: 2 of 1,614,138 alleles (0.00012%); highest among the groups gnomAD compares: Non-Finnish European, 0.00017%; no homozygotes.

Submission:

Labcorp Genetics (formerly Invitae), Labcorp
Classification: Uncertain significance for Spastic paraplegia. Last evaluated: 2024-05-15. Review status: criteria provided, single submitter. Criteria: Invitae Variant Classification Sherloc (09022015). Collection method: clinical testing. Allele origin: germline.
Comment: This sequence change replaces lysine, which is basic and polar, with glutamic acid, which is acidic and polar, at codon 364 of the HSPD1 protein (p.Lys364Glu). This variant is not present in population databases (gnomAD no frequency). This variant has not been reported in the literature in individuals affected with HSPD1-related conditions. ClinVar contains an entry for this variant (Variation ID: 2148069). Advanced modeling of protein sequence and biophysical properties (such as structural, functional, and spatial information, amino acid conservation, physicochemical variation, residue mobility, and thermodynamic stability) performed at Invitae indicates that this missense variant is not expected to disrupt HSPD1 protein function with a negative predictive value of 80%. In summary, the available evidence is currently insufficient to determine the role of this variant in disease. Therefore, it has been classified as a Variant of Uncertain Significance.

NM_002156.5(HSPD1):c.1090A>G (p.Lys364Glu)

Gene: HSPD1 (heat shock protein family D (Hsp60) member 1; minus strand). Cytogenetic location: 2q33.1.
Variant type: single nucleotide variant.
Coding change: c.1090A>G on transcript NM_002156.5 (MANE Select); coding-DNA position 1090, A replaced by G.
Protein change: p.Lys364Glu; replaces lysine 364 with glutamic acid.
Molecular consequence: missense variant.
Genome position (GRCh38, 1-based): chr2:197,489,127, T>C on the plus strand (A>G on the coding strand, the complement: HSPD1 is on the minus strand). VCF-style: chr2-197489127-T-C. GRCh37 (hg19) VCF-style: chr2-198353851-T-C.
Other names: c.1090A>G, p.Lys364Glu (NM_199440.2); short protein forms K364E.
Identifiers: ClinVar variation 2148069 (VCV002148069.4), dbSNP rs2470108465, ClinGen allele CA350199613.